The following is an entry in ClinVar:

NM_012183.3(FOXD3):c.432C>T (p.Tyr144=)

Genes: FOXD3 (forkhead box D3; plus strand), FOXD3-AS1 (FOXD3 antisense RNA 1; minus strand). Cytogenetic location: 1p31.3.
Variant type: single nucleotide variant.
Coding change: c.432C>T on transcript NM_012183.3 (MANE Select); coding-DNA position 432, C replaced by T.
Protein change: p.Tyr144=; no amino-acid change (tyrosine 144 retained).
Molecular consequence: synonymous variant.
Genome position (GRCh38, 1-based): chr1:63,323,490, C>T. VCF-style: chr1-63323490-C-T. GRCh37 (hg19) VCF-style: chr1-63789161-C-T.
Identifiers: ClinVar variation 3030321 (VCV003030321.2), dbSNP rs1299968330, ClinGen allele CA418211416.

ClinVar aggregate classification (germline): Likely benign (0 of 4 stars; one submission).

Conditions:
FOXD3-related disorder. Also called: FOXD3-related condition.

Allele frequency attached by ClinVar (database versions not stated): gnomAD exomes below 0.00001; gnomAD 0.00001; TOPMed 0.00001.
gnomAD v4.1: 4 of 1,613,852 alleles (0.00025%); highest among the groups gnomAD compares: African/African-American, 0.0027%; no homozygotes.

Submission:

PreventionGenetics, part of Exact Sciences
Classification: Likely benign for FOXD3-related condition. Last evaluated: 2021-09-13. Review status: no assertion criteria provided. Collection method: clinical testing. Allele origin: germline.
Comment: This variant is classified as likely benign based on ACMG/AMP sequence variant interpretation guidelines (Richards et al. 2015 PMID: 25741868, with internal and published modifications).